The following is an entry in ClinVar:

NM_001918.5(DBT):c.1192C>T (p.Leu398Phe)

Gene: DBT (dihydrolipoamide branched chain transacylase E2; minus strand). Cytogenetic location: 1p21.2.
Variant type: single nucleotide variant.
Coding change: c.1192C>T on transcript NM_001918.5 (MANE Select); coding-DNA position 1192, C replaced by T.
Protein change: p.Leu398Phe; replaces leucine 398 with phenylalanine.
Molecular consequence: missense variant. On other transcripts: non-coding transcript variant (4).
Genome position (GRCh38, 1-based): chr1:100,206,462, G>A on the plus strand (C>T on the coding strand, the complement: DBT is on the minus strand). VCF-style: chr1-100206462-G-A. GRCh37 (hg19) VCF-style: chr1-100672018-G-A.
Other names: c.649C>T, p.Leu217Phe (NM_001399969.1, NM_001399972.1); short protein forms L217F, L398F.
Identifiers: ClinVar variation 3335994 (VCV003335994.1).
Genomic context (GRCh38, chr1:100,206,462, plus strand): 5'-AAACCTTAAGTAATGGTTTATGTATTTCAACATTATTACTCACTGATCCAATGTTGGAAA[G>A]AGTAAATGTTCCTCCTGTAAGATCAGTGGTGCTGAGCTGACTCACAGAGCCCAATTTCTG-3'
Protein context (NP_001909.4, residues 388-408): TTDLTGGTFT[Leu398Phe]SNIGSIGGTF

ClinVar aggregate classification (germline): Uncertain significance (1 of 4 stars; one submission).

Submission:

Women's Health and Genetics/Laboratory Corporation of America, LabCorp
Classification: Uncertain significance. Last evaluated: 2024-05-13. Review status: criteria provided, single submitter. Criteria: LabCorp Variant Classification Summary - May 2015. Collection method: clinical testing. Allele origin: germline.
Comment: Variant summary: DBT c.1192C>T (p.Leu398Phe) results in a non-conservative amino acid change located in the 2-oxoacid dehydrogenase acyltransferase, catalytic domain (IPR001078) of the encoded protein sequence. Four of five in-silico tools predict a damaging effect of the variant on protein function. The variant was absent in 251442 control chromosomes (gnomAD). The available data on variant occurrences in the general population are insufficient to allow any conclusion about variant significance. c.1192C>T has been reported in the literature in at-least one individual affected with Maple Syrup Urine Disease (example: Couce_2015). These data do not allow any conclusion about variant significance. To our knowledge, no experimental evidence demonstrating an impact on protein function has been reported. The following publication has been ascertained in the context of this evaluation (PMID: 26232051). No submitters have cited clinical-significance assessments for this variant to ClinVar. Based on the evidence outlined above, the variant was classified as uncertain significance.

Literature cited by the submitters: PubMed 26232051.